The following is an entry in ClinVar:

NM_001367624.2(ZNF469):c.9025_9026inv (p.Ser3009Asp)

Gene: ZNF469 (zinc finger protein 469; plus strand). Cytogenetic location: 16q24.2.
Variant type: Inversion.
Coding change: c.9025_9026inv on transcript NM_001367624.2 (MANE Select).
Protein change: p.Ser3009Asp; replaces serine 3009 with aspartic acid.
Molecular consequence: missense variant.
Genome position: GRCh38 VCF-style: chr16-88436495-TC-GA. GRCh37 (hg19) VCF-style: chr16-88502903-TC-GA.
Other names: short protein forms S3009D.
Identifiers: ClinVar variation 1908969 (VCV001908969.2), ClinGen allele CA2580092198.

ClinVar aggregate classification (germline): Uncertain significance (1 of 4 stars; one submission).

Submission:

Labcorp Genetics (formerly Invitae), Labcorp
Classification: Uncertain significance. Last evaluated: 2022-06-27. Review status: criteria provided, single submitter. Criteria: Invitae Variant Classification Sherloc (09022015). Collection method: clinical testing. Allele origin: germline.
Comment: This sequence change replaces serine, which is neutral and polar, with aspartic acid, which is acidic and polar, at codon 2981 of the ZNF469 protein (p.Ser2981Asp). This variant is present in population databases (no rsID available, gnomAD 0.3%). This variant has not been reported in the literature in individuals affected with ZNF469-related conditions. Algorithms developed to predict the effect of missense changes on protein structure and function are either unavailable or do not agree on the potential impact of this missense change (SIFT: "Not Available"; PolyPhen-2: "Benign"; Align-GVGD: "Not Available"). In summary, the available evidence is currently insufficient to determine the role of this variant in disease. Therefore, it has been classified as a Variant of Uncertain Significance.